The following is an entry in ClinVar:

NM_000557.5(GDF5):c.106C>T (p.Gln36Ter)

Gene: GDF5 (growth differentiation factor 5; minus strand). Cytogenetic location: 20q11.22.
Variant type: single nucleotide variant.
Coding change: c.106C>T on transcript NM_000557.5 (MANE Select); coding-DNA position 106, C replaced by T.
Protein change: p.Gln36Ter; replaces glutamine 36 with a stop codon.
Molecular consequence: nonsense.
Genome position (GRCh38, 1-based): chr20:35,437,823, G>A on the plus strand (C>T on the coding strand, the complement: GDF5 is on the minus strand). VCF-style: chr20-35437823-G-A. GRCh37 (hg19) VCF-style: chr20-34025603-G-A.
Other names: c.106C>T, p.Gln36Ter (NM_001319138.2); short protein forms Q36*.
Identifiers: ClinVar variation 4725253 (VCV004725253.1).
Genomic context (GRCh38, chr20:35,437,823, plus strand): 5'-TCCGGGCCAGGGGGGGCCTCTCCTTGGCCTCTGCTTTGGCCAATCCTGGCCTGGTCCCCT[G>A]GGGTCTCTGGCCCAAGTCAGGGGCACCCAACACAGTGCAGATGAATTCCAGGTCCAGCCA-3'

ClinVar aggregate classification (germline): Pathogenic (1 of 4 stars; one submission).

Submission:

Labcorp Genetics (formerly Invitae), Labcorp
Classification: Pathogenic. Last evaluated: 2025-08-11. Review status: criteria provided, single submitter. Criteria: Invitae Variant Classification Sherloc (09022015). Collection method: clinical testing. Allele origin: germline.
Comment: This sequence change creates a premature translational stop signal (p.Gln36*) in the GDF5 gene. It is expected to result in an absent or disrupted protein product. Loss-of-function variants in GDF5 are known to be pathogenic (PMID: 8589725, 9288091, 12121354, 12357473, 27577507). This variant is not present in population databases (gnomAD no frequency). This variant has not been reported in the literature in individuals affected with GDF5-related conditions. For these reasons, this variant has been classified as Pathogenic.

Literature cited by the submitters: PubMed 8589725; PubMed 9288091; PubMed 12121354; PubMed 12357473; PubMed 27577507.